The following is an entry in ClinVar:

NM_000334.4(SCN4A):c.-240G>C

Gene: SCN4A (sodium voltage-gated channel alpha subunit 4; minus strand). Cytogenetic location: 17q23.3.
Variant type: single nucleotide variant.
Coding change: c.-240G>C on transcript NM_000334.4 (MANE Select); 240 bases upstream of the start codon, G replaced by C.
Genome position (GRCh38, 1-based): chr17:63,973,081, C>G on the plus strand (G>C on the coding strand, the complement: SCN4A is on the minus strand). VCF-style: chr17-63973081-C-G. GRCh37 (hg19) VCF-style: chr17-62050441-C-G.
Identifiers: ClinVar variation 678285 (VCV000678285.2), dbSNP rs77367618, ClinGen allele CA292973051.

ClinVar aggregate classification (germline): Benign. Review status: criteria provided, multiple submitters, no conflicts (2 of 4 stars). 2 submissions from 2 submitters: Benign (2). Last evaluated 2018-06-14.

Allele frequency attached by ClinVar (database versions not stated): gnomAD 0.01805 and 0.01889; TOPMed 0.01985; 1000 Genomes Project 0.02276; 1000 Genomes Project 30x 0.02467.

Submissions (2):

GeneDx
Classification: Benign. Last evaluated: 2018-06-14. Review status: criteria provided, single submitter. Criteria: GeneDx Variant Classification (06012015). Collection method: clinical testing. Allele origin: germline. Affected: yes.
Comment: This variant is considered likely benign or benign based on one or more of the following criteria: it is a conservative change, it occurs at a poorly conserved position in the protein, it is predicted to be benign by multiple in silico algorithms, and/or has population frequency not consistent with disease.

Breakthrough Genomics
Classification: Benign. Review status: criteria provided, single submitter. Criteria: ACMG Guidelines, 2015. Collection method: not provided. Allele origin: germline. Inheritance: Autosomal recessive inheritance. Affected: yes.